The following is an entry in ClinVar:

NM_003000.3(SDHB):c.474G>A (p.Lys158=)

Gene: SDHB (succinate dehydrogenase complex iron sulfur subunit B; minus strand). Cytogenetic location: 1p36.13.
Variant type: single nucleotide variant.
Coding change: c.474G>A on transcript NM_003000.3 (MANE Select); coding-DNA position 474, G replaced by A.
Protein change: p.Lys158=; no amino-acid change (lysine 158 retained).
Molecular consequence: synonymous variant.
Genome position (GRCh38, 1-based): chr1:17,027,815, C>T on the plus strand (G>A on the coding strand, the complement: SDHB is on the minus strand). VCF-style: chr1-17027815-C-T. GRCh37 (hg19) VCF-style: chr1-17354310-C-T.
Other names: c.420G>A, p.Lys140= (NM_001407361.1).
Identifiers: ClinVar variation 3904531 (VCV003904531.1).

ClinVar aggregate classification (germline): Benign (1 of 4 stars; one submission).

Conditions:
Pheochromocytoma/paraganglioma syndrome 4. Also called: CAROTID BODY TUMORS AND MULTIPLE EXTRAADRENAL PHEOCHROMOCYTOMAS; PARAGANGLIOMA, FAMILIAL MALIGNANT; PARAGANGLIOMAS, HEREDITARY EXTRAADRENAL; PHEOCHROMOCYTOMA, FAMILIAL EXTRAADRENAL; Paragangliomas 4; SDHB-Related Hereditary Paraganglioma-Pheochromocytoma Syndrome (Paragangliomas 4). Identifiers: Orphanet 29072, MedGen C1861848, MONDO:0007273, OMIM 115310.

Submission:

Myriad Genetics, Inc.
Classification: Benign for Pheochromocytoma/paraganglioma syndrome 4. Last evaluated: 2025-03-13. Review status: criteria provided, single submitter. Criteria: Myriad Autosomal Dominant, Autosomal Recessive and X-Linked Classification Criteria (2023). Collection method: clinical testing. Allele origin: unknown.
Comment: This variant is considered benign. This variant is a silent/synonymous amino acid change and it is not expected to impact splicing.